The following is an entry in ClinVar:

NM_000051.4(ATM):c.6348-8T>A

Genes: ATM (ATM serine/threonine kinase; plus strand), C11orf65 (chromosome 11 open reading frame 65; minus strand). Cytogenetic location: 11q22.3.
Variant type: single nucleotide variant.
Coding change: c.6348-8T>A on transcript NM_000051.4 (MANE Select); 8 bases into the intron before coding-DNA position 6348, T replaced by A.
Molecular consequence: intron variant.
Genome position (GRCh38, 1-based): chr11:108,319,946, T>A. VCF-style: chr11-108319946-T-A. GRCh37 (hg19) VCF-style: chr11-108190673-T-A.
Other names: c.6348-8T>A (NM_001351834.2); c.641-10875A>T (NM_001330368.2); c.*39-10875A>T (NM_001351110.2).
Identifiers: ClinVar variation 1709562 (VCV001709562.5), dbSNP rs730881292, ClinGen allele CA2580083415.
Genomic context (GRCh38, chr11:108,319,946, plus strand): 5'-GCTATTTATACATGTATATCTTAGGGTTCTGTTTTTAAGTATATTTTTTTCTTTGACTTA[T>A]CTCACAGCAAAGAAGTAGAAGGAACCAGTTACCATGAATCATTGTACAATGCTCTACAAT-3'

ClinVar aggregate classification (germline): Conflicting classifications of pathogenicity. Review status: criteria provided, conflicting classifications (1 of 4 stars). 2 submissions from 2 submitters: Uncertain significance (1); Likely benign (1). Last evaluated 2023-02-06.

Conditions:
Familial cancer of breast. Also called: Hereditary breast cancer; hereditary breast carcinoma; BREAST CANCER, FAMILIAL. Identifiers: Orphanet 227535, MedGen C0346153, MONDO:0016419, OMIM 114480. Disease mechanism: loss of function.
Ataxia-telangiectasia syndrome (AT). Also called: Ataxia telangiectasia (A-T); LOUIS-BAR SYNDROME; Cerebello-oculocutaneous telangiectasia; Immunodeficiency with ataxia telangiectasia; Ataxia-telangiectasia, complementation group D; AT, COMPLEMENTATION GROUP C. Identifiers: Orphanet 100, MedGen C0004135, MONDO:0008840, OMIM 208900.

Submissions (2):

Labcorp Genetics (formerly Invitae), Labcorp
Classification: Likely benign for Ataxia-telangiectasia syndrome. Last evaluated: 2023-02-06. Review status: criteria provided, single submitter. Criteria: Invitae Variant Classification Sherloc (09022015). Collection method: clinical testing. Allele origin: germline.

MGZ Medical Genetics Center
Classification: Uncertain significance for Familial cancer of breast. Last evaluated: 2022-06-03. Review status: criteria provided, single submitter. Criteria: ACMG Guidelines, 2015. Collection method: clinical testing. Allele origin: germline. Affected: yes. Observed: 1 variant allele.
Comment: ACMG criteria applied: PM2_SUP, PP3